The following is an entry in ClinVar:

ClinVar aggregate classification (germline): Conflicting classifications of pathogenicity. Review status: criteria provided, conflicting classifications (1 of 4 stars). 5 submissions from 5 submitters: Uncertain significance (4); Likely benign (1). Last evaluated 2025-10-14.

Conditions:
RYR1-related disorder. Also called: RYR1-related condition; RYR1-related disorders. Identifiers: MedGen CN239331.
Inborn genetic diseases. Identifiers: MedGen C0950123, MeSH D030342.
Malignant hyperthermia, susceptibility to, 1 (MHS1). Also called: Anesthesia related hyperthermia; Malignant hyperpyrexia; Fulminating hyperpyrexia; Pharmacogenic myopathy; Malignant hyperthermia suceptibility 1; RYR1-Related Malignant Hyperthermia Susceptibility. Identifiers: Orphanet 423, MedGen C2930980, MONDO:0007783, OMIM 145600.

Allele frequency attached by ClinVar (database versions not stated): ExAC 0.00007; TOPMed 0.00021; gnomAD exomes 0.00004.
gnomAD v4.1: 58 of 1,605,804 alleles (0.0036%); highest among the groups gnomAD compares: African/African-American, 0.064%; no homozygotes.

Submissions (5):

Labcorp Genetics (formerly Invitae), Labcorp
Classification: Likely benign for RYR1-related disorder. Last evaluated: 2025-10-14. Review status: criteria provided, single submitter. Criteria: Invitae Variant Classification Sherloc (09022015). Collection method: clinical testing. Allele origin: germline.

Ambry Genetics
Classification: Uncertain significance for Inborn genetic diseases. Last evaluated: 2025-08-26. Review status: criteria provided, single submitter. Criteria: Ambry Variant Classification Scheme 2023. Collection method: clinical testing. Allele origin: germline.

All of Us Research Program, National Institutes of Health
Classification: Uncertain significance for Malignant hyperthermia, susceptibility to, 1. Last evaluated: 2024-09-23. Review status: criteria provided, single submitter. Criteria: ACMG Guidelines, 2015. Collection method: clinical testing. Allele origin: germline. Inheritance: Autosomal dominant inheritance. Observed: 23 variant alleles, 23 heterozygotes.
Comment: This missense variant replaces lysine with asparagine at codon 3495 of the RYR1 protein. Computational prediction is inconclusive regarding the impact of this variant on protein structure and function (internally defined REVEL score threshold 0.5 < inconclusive < 0.7, PMID: 27666373). To our knowledge, functional studies have not been reported for this variant. This variant has not been reported in individuals affected with RYR1-related disorders in the literature. This variant has been identified in 13/282554 chromosomes in the general population by the Genome Aggregation Database (gnomAD). The available evidence is insufficient to determine the role of this variant in disease conclusively. Therefore, this variant is classified as a Variant of Uncertain Significance.

This study involves interpretation of variants in research participants for the purpose of population health screening. Participant phenotype was not available at the time of variant classification. Additional details can be found in publication PMID: 35346344, PMCID: PMC8962531

Color Diagnostics, LLC DBA Color Health
Classification: Uncertain significance for Malignant hyperthermia, susceptibility to, 1. Last evaluated: 2023-11-15. Review status: criteria provided, single submitter. Criteria: ACMG Guidelines, 2015. Collection method: clinical testing. Allele origin: germline.
Comment: This missense variant replaces lysine with asparagine at codon 3495 of the RYR1 protein. Computational prediction is inconclusive regarding the impact of this variant on protein structure and function (internally defined REVEL score threshold 0.5 < inconclusive < 0.7, PMID: 27666373). To our knowledge, functional studies have not been reported for this variant. This variant has not been reported in individuals affected with RYR1-related disorders in the literature. This variant has been identified in 13/282554 chromosomes in the general population by the Genome Aggregation Database (gnomAD). The available evidence is insufficient to determine the role of this variant in disease conclusively. Therefore, this variant is classified as a Variant of Uncertain Significance.

Revvity Omics, Revvity
Classification: Uncertain significance. Last evaluated: 2023-08-31. Review status: criteria provided, single submitter. Criteria: ACMG Guidelines, 2015. Collection method: clinical testing. Allele origin: germline.

NM_000540.3(RYR1):c.10485G>C (p.Lys3495Asn)

Gene: RYR1 (ryanodine receptor 1; plus strand). Cytogenetic location: 19q13.2.
Variant type: single nucleotide variant.
Coding change: c.10485G>C on transcript NM_000540.3 (MANE Select); coding-DNA position 10485, G replaced by C.
Protein change: p.Lys3495Asn; replaces lysine 3495 with asparagine.
Molecular consequence: missense variant.
Genome position (GRCh38, 1-based): chr19:38,525,361, G>C. VCF-style: chr19-38525361-G-C. GRCh37 (hg19) VCF-style: chr19-39016001-G-C.
Other names: c.10470G>C, p.Lys3490Asn (NM_001042723.2); short protein forms K3495N, K3490N.
Identifiers: ClinVar variation 478153 (VCV000478153.20), dbSNP rs753726014, ClinGen allele CA053849.
Genomic context (GRCh38, chr19:38,525,361, plus strand): 5'-TGGGCTGGTGCTGAGCCCTGTGTCCCCACAGTCCGGTGGCTCGGACCAGGAACGCACCAA[G>C]AAGAAGCGCCGGGGGGACCGGTACTCTGTGCAGACGTCACTGATCGTGGCCACACTGAAG-3'
Protein context (NP_000531.2, residues 3485-3505): QSGGSDQERT[Lys3495Asn]KKRRGDRYSV